The following is an entry in ClinVar:

ClinVar aggregate classification (germline): Benign/Likely benign. Review status: criteria provided, multiple submitters, no conflicts (2 of 4 stars). 3 submissions from 3 submitters: Benign (1); Likely benign (2). Last evaluated 2024-06-14.

Conditions:
Familial cancer of breast. Also called: Hereditary breast cancer; hereditary breast carcinoma; BREAST CANCER, FAMILIAL. Identifiers: Orphanet 227535, MedGen C0346153, MONDO:0016419, OMIM 114480. Disease mechanism: loss of function.
Ataxia-telangiectasia syndrome (AT). Also called: Ataxia telangiectasia (A-T); LOUIS-BAR SYNDROME; Cerebello-oculocutaneous telangiectasia; Immunodeficiency with ataxia telangiectasia; Ataxia-telangiectasia, complementation group D; AT, COMPLEMENTATION GROUP C. Identifiers: Orphanet 100, MedGen C0004135, MONDO:0008840, OMIM 208900.
Hereditary cancer-predisposing syndrome. Also called: Hereditary neoplastic syndrome; Neoplastic Syndromes, Hereditary; Tumor predisposition; Hereditary Cancer Syndrome. Identifiers: Orphanet 140162, MedGen C0027672, MeSH D009386, MONDO:0015356.

Submissions (3):

Myriad Genetics, Inc.
Classification: Benign for Familial cancer of breast. Last evaluated: 2024-06-14. Review status: criteria provided, single submitter. Criteria: Myriad Autosomal Dominant, Autosomal Recessive and X-Linked Classification Criteria (2023). Collection method: clinical testing. Allele origin: unknown.
Comment: This variant is considered benign. This variant is a silent/synonymous amino acid change and it is not expected to impact splicing.

Labcorp Genetics (formerly Invitae), Labcorp
Classification: Likely benign for Ataxia-telangiectasia syndrome. Last evaluated: 2022-11-13. Review status: criteria provided, single submitter. Criteria: Invitae Variant Classification Sherloc (09022015). Collection method: clinical testing. Allele origin: germline.

Ambry Genetics
Classification: Likely benign for Hereditary cancer-predisposing syndrome. Last evaluated: 2020-09-02. Review status: criteria provided, single submitter. Criteria: Ambry Variant Classification Scheme 2023. Collection method: clinical testing. Allele origin: germline.

NM_000051.4(ATM):c.7539A>C (p.Thr2513=)

Genes: ATM (ATM serine/threonine kinase; plus strand), C11orf65 (chromosome 11 open reading frame 65; minus strand). Cytogenetic location: 11q22.3.
Variant type: single nucleotide variant.
Coding change: c.7539A>C on transcript NM_000051.4 (MANE Select); coding-DNA position 7539, A replaced by C.
Protein change: p.Thr2513=; no amino-acid change (threonine 2513 retained).
Molecular consequence: synonymous variant. On other transcripts: non-coding transcript variant (1), intron variant (2).
Genome position (GRCh38, 1-based): chr11:108,331,467, A>C. VCF-style: chr11-108331467-A-C. GRCh37 (hg19) VCF-style: chr11-108202194-A-C.
Other names: c.7539A>C, p.Thr2513= (NM_001351834.2); c.641-22396T>G (NM_001330368.2); c.*38+3753T>G (NM_001351110.2).
Identifiers: ClinVar variation 1759410 (VCV001759410.6), dbSNP rs752294923, ClinGen allele CA6266137.